The following is an entry in ClinVar:

NM_001023570.4(IQCB1):c.1549A>G (p.Asn517Asp)

Gene: IQCB1 (IQ motif containing B1; minus strand). Cytogenetic location: 3q13.33.
Variant type: single nucleotide variant.
Coding change: c.1549A>G on transcript NM_001023570.4 (MANE Select); coding-DNA position 1549, A replaced by G.
Protein change: p.Asn517Asp; replaces asparagine 517 with aspartic acid.
Molecular consequence: missense variant. On other transcripts: non-coding transcript variant (1).
Genome position (GRCh38, 1-based): chr3:121,772,575, T>C on the plus strand (A>G on the coding strand, the complement: IQCB1 is on the minus strand). VCF-style: chr3-121772575-T-C. GRCh37 (hg19) VCF-style: chr3-121491422-T-C.
Other names: c.1150A>G, p.Asn384Asp (NM_001023571.4); c.1549A>G, p.Asn517Asp (NM_001319107.2); short protein forms N384D, N517D.
Identifiers: ClinVar variation 954309 (VCV000954309.9), dbSNP rs139468837, ClinGen allele CA354109636.
Genomic context (GRCh38, chr3:121,772,575, plus strand): 5'-AGGTTGTTCCTTTTAGAGAACGAAAGTAAAATGAGCACATACTCATTAGCTGTTCAACGT[T>C]GGTGCTGATCTGTGCTATCAGAGCTTCTCTGTGCTGCTGGGCTCGCTCTTCTAGGGCCCT-3'
Protein context (NP_001018864.2, residues 507-527): REALIAQIST[Asn517Asp]VEQLMKAPSL

ClinVar aggregate classification (germline): Uncertain significance (1 of 4 stars; one submission).

Conditions:
Nephronophthisis. Also called: Juvenile Nephronophthisis. Identifiers: Orphanet 655, MedGen C0687120, MONDO:0019005, HP:0000090.

Allele frequency attached by ClinVar (database versions not stated): TOPMed 0.00001.
gnomAD v4.1: 2 of 1,614,112 alleles (0.00012%); highest among the groups gnomAD compares: African/African-American, 0.0027%; no homozygotes.

Submission:

Labcorp Genetics (formerly Invitae), Labcorp
Classification: Uncertain significance for Nephronophthisis. Last evaluated: 2024-02-24. Review status: criteria provided, single submitter. Criteria: Invitae Variant Classification Sherloc (09022015). Collection method: clinical testing. Allele origin: germline.
Comment: This sequence change replaces asparagine, which is neutral and polar, with aspartic acid, which is acidic and polar, at codon 517 of the IQCB1 protein (p.Asn517Asp). This variant is present in population databases (no rsID available, gnomAD 0.01%). This variant has not been reported in the literature in individuals affected with IQCB1-related conditions. ClinVar contains an entry for this variant (Variation ID: 954309). Advanced modeling of protein sequence and biophysical properties (such as structural, functional, and spatial information, amino acid conservation, physicochemical variation, residue mobility, and thermodynamic stability) performed at Invitae indicates that this missense variant is not expected to disrupt IQCB1 protein function with a negative predictive value of 80%. In summary, the available evidence is currently insufficient to determine the role of this variant in disease. Therefore, it has been classified as a Variant of Uncertain Significance.